The following is an entry in ClinVar:

NM_000037.4(ANK1):c.3102C>T (p.Asn1034=)

Gene: ANK1 (ankyrin 1; minus strand). Cytogenetic location: 8p11.21.
Variant type: single nucleotide variant.
Coding change: c.3102C>T on transcript NM_000037.4 (MANE Select); coding-DNA position 3102, C replaced by T.
Protein change: p.Asn1034=; no amino-acid change (asparagine 1034 retained).
Molecular consequence: synonymous variant.
Genome position (GRCh38, 1-based): chr8:41,695,190, G>A on the plus strand (C>T on the coding strand, the complement: ANK1 is on the minus strand). VCF-style: chr8-41695190-G-A. GRCh37 (hg19) VCF-style: chr8-41552708-G-A.
Other names: c.3225C>T, p.Asn1075= (NM_001142446.2); c.3102C>T, p.Asn1034= (NM_020475.3, NM_020476.3, NM_020477.3); c.3102C>T (NM_020476.2).
Identifiers: ClinVar variation 731609 (VCV000731609.27), dbSNP rs145169484, ClinGen allele CA4727987.

ClinVar aggregate classification (germline): Conflicting classifications of pathogenicity. Review status: criteria provided, conflicting classifications (1 of 4 stars). 7 submissions from 6 submitters: Uncertain significance (1); Benign (1); Likely benign (4). 1 of the submissions does not count toward it. Last evaluated 2026-01-01.

Conditions:
ANK1-related disorder. Also called: ANK1-related condition.
Hereditary spherocytosis type 1. Also called: Spherocytosis type 1; ANK1-Related Spherocytosis. Identifiers: Orphanet 822, MedGen C2674218, MONDO:0008447, OMIM 182900.
Spherocytosis. Identifiers: MedGen C0553720, HP:0004444.

Allele frequency attached by ClinVar (database versions not stated): gnomAD exomes 0.00045; ExAC 0.00047; gnomAD 0.00101 and 0.00105; TOPMed 0.00110; ESP Exome Variant Server 0.00115; 1000 Genomes Project 30x 0.00281; 1000 Genomes Project 0.00300.
gnomAD v4.1: 848 of 1,614,150 alleles (0.053%); highest among the groups gnomAD compares: African/African-American, 0.22%; 1 homozygote.

Submissions (7):

CeGaT Center for Human Genetics Tuebingen
Classification: Likely benign. Last evaluated: 2026-01-01. Review status: criteria provided, single submitter. Criteria: CeGaT Center For Human Genetics Tuebingen Variant Classification Criteria Version 2. Collection method: clinical testing. Allele origin: germline. Affected: yes. Observed: 1 variant allele.
Comment: ANK1: BP4, BP7

Labcorp Genetics (formerly Invitae), Labcorp
Classification: Likely benign. Last evaluated: 2025-10-29. Review status: criteria provided, single submitter. Criteria: Invitae Variant Classification Sherloc (09022015). Collection method: clinical testing. Allele origin: germline.

Blueprint Genetics
Classification: Likely benign. Last evaluated: 2024-10-15. Review status: criteria provided, single submitter. Criteria: ACMG Guidelines, 2015. Collection method: clinical testing. Allele origin: germline.

ARUP Laboratories, Molecular Genetics and Genomics, ARUP Laboratories
Classification: Benign for Hereditary spherocytosis type 1. Last evaluated: 2024-07-10. Review status: criteria provided, single submitter. Criteria: ARUP Molecular Germline Variant Investigation Process 2024. Collection method: clinical testing. Allele origin: germline.

Illumina Laboratory Services, Illumina
Classification: Likely benign for Hereditary spherocytosis type 1. Last evaluated: 2018-01-12. Review status: criteria provided, single submitter. Criteria: ICSL Variant Classification Criteria 13 December 2019. Collection method: clinical testing. Allele origin: germline.
Comment: This variant was observed in the ICSL laboratory as part of a predisposition screen in an ostensibly healthy population. It had not been previously curated by ICSL or reported in the Human Gene Mutation Database (HGMD: prior to June 1st, 2018), and was therefore a candidate for classification through an automated scoring system. Utilizing variant allele frequency, disease prevalence and penetrance estimates, and inheritance mode, an automated score was calculated to assess if this variant is too frequent to cause the disease. Based on the score and internal cut-off values, a variant classified as likely benign is not then subjected to further curation. The score for this variant resulted in a classification of likely benign for this disease.

Illumina Laboratory Services, Illumina
Classification: Uncertain significance for Spherocytosis. Last evaluated: 2018-01-12. Review status: criteria provided, single submitter. Criteria: ICSL Variant Classification Criteria 13 December 2019. Collection method: clinical testing. Allele origin: germline.

PreventionGenetics, part of Exact Sciences
Classification: Likely benign for ANK1-related condition. Last evaluated: 2019-06-11. Review status: no assertion criteria provided. Collection method: clinical testing. Allele origin: germline. Not counted in ClinVar's aggregate classification.
Comment: This variant is classified as likely benign based on ACMG/AMP sequence variant interpretation guidelines (Richards et al. 2015 PMID: 25741868, with internal and published modifications).